The following is an entry in ClinVar:

NM_003051.4(SLC16A1):c.751C>G (p.Gln251Glu)

Gene: SLC16A1 (solute carrier family 16 member 1; minus strand). Cytogenetic location: 1p13.2.
Variant type: single nucleotide variant.
Coding change: c.751C>G on transcript NM_003051.4 (MANE Select); coding-DNA position 751, C replaced by G.
Protein change: p.Gln251Glu; replaces glutamine 251 with glutamic acid.
Molecular consequence: missense variant.
Genome position (GRCh38, 1-based): chr1:112,917,655, G>C on the plus strand (C>G on the coding strand, the complement: SLC16A1 is on the minus strand). VCF-style: chr1-112917655-G-C. GRCh37 (hg19) VCF-style: chr1-113460277-G-C.
Other names: c.751C>G, p.Gln251Glu (NM_001166496.2); short protein forms Q251E.
Identifiers: ClinVar variation 2104664 (VCV002104664.4), dbSNP rs2525088167, ClinGen allele CA341828297.

ClinVar aggregate classification (germline): Uncertain significance (1 of 4 stars; one submission).

Submission:

Labcorp Genetics (formerly Invitae), Labcorp
Classification: Uncertain significance. Last evaluated: 2022-02-28. Review status: criteria provided, single submitter. Criteria: Invitae Variant Classification Sherloc (09022015). Collection method: clinical testing. Allele origin: germline.
Comment: This variant has not been reported in the literature in individuals affected with SLC16A1-related conditions. This variant is not present in population databases (gnomAD no frequency). This sequence change replaces glutamine, which is neutral and polar, with glutamic acid, which is acidic and polar, at codon 251 of the SLC16A1 protein (p.Gln251Glu). In summary, the available evidence is currently insufficient to determine the role of this variant in disease. Therefore, it has been classified as a Variant of Uncertain Significance. Algorithms developed to predict the effect of missense changes on protein structure and function (SIFT, PolyPhen-2, Align-GVGD) all suggest that this variant is likely to be tolerated.